The following is an entry in ClinVar:

ClinVar aggregate classification (germline): Uncertain significance (1 of 4 stars; one submission).

Conditions:
Very long chain acyl-CoA dehydrogenase deficiency (ACADVLD). Also called: Very Long-Chain Acyl-Coenzyme A Dehydrogenase Deficiency; VLCAD Deficiency. Identifiers: Orphanet 26793, MedGen C3887523, MONDO:0008723, OMIM 201475.

Submission:

Labcorp Genetics (formerly Invitae), Labcorp
Classification: Uncertain significance for Very long chain acyl-CoA dehydrogenase deficiency. Last evaluated: 2021-03-31. Review status: criteria provided, single submitter. Criteria: Invitae Variant Classification Sherloc (09022015). Collection method: clinical testing. Allele origin: germline.
Comment: In summary, the available evidence is currently insufficient to determine the role of this variant in disease. Therefore, it has been classified as a Variant of Uncertain Significance. Algorithms developed to predict the effect of missense changes on protein structure and function are either unavailable or do not agree on the potential impact of this missense change (SIFT: "Deleterious"; PolyPhen-2: "Benign"; Align-GVGD: "Class C0"). This variant has not been reported in the literature in individuals with ACADVL-related conditions. This variant is not present in population databases (ExAC no frequency). This sequence change replaces arginine with glycine at codon 229 of the ACADVL protein (p.Arg229Gly). The arginine residue is highly conserved and there is a moderate physicochemical difference between arginine and glycine.

NM_000018.4(ACADVL):c.685C>G (p.Arg229Gly)

Gene: ACADVL (acyl-CoA dehydrogenase very long chain; plus strand). Cytogenetic location: 17p13.1.
Variant type: single nucleotide variant.
Coding change: c.685C>G on transcript NM_000018.4 (MANE Select); coding-DNA position 685, C replaced by G.
Protein change: p.Arg229Gly; replaces arginine 229 with glycine.
Molecular consequence: missense variant.
Genome position (GRCh38, 1-based): chr17:7,222,014, C>G. VCF-style: chr17-7222014-C-G. GRCh37 (hg19) VCF-style: chr17-7125333-C-G.
Other names: c.619C>G, p.Arg207Gly (NM_001033859.3); c.754C>G, p.Arg252Gly (NM_001270447.2); c.457C>G, p.Arg153Gly (NM_001270448.2); short protein forms R153G, R207G, R252G, R229G.
Identifiers: ClinVar variation 1369864 (VCV001369864.8), dbSNP rs786204536, ClinGen allele CA397723463.